The following is an entry in ClinVar:

ClinVar aggregate classification (germline): Conflicting classifications of pathogenicity. Review status: criteria provided, conflicting classifications (1 of 4 stars). 5 submissions from 5 submitters: Pathogenic (1); Likely pathogenic (1); Uncertain significance (1). 2 of the submissions do not count toward it. Last evaluated 2026-01-20.

Conditions:
Niemann-Pick disease, type C1. Also called: NIEMANN-PICK DISEASE, VARIANT TYPE C1; NEUROVISCERAL STORAGE DISEASE WITH VERTICAL SUPRANUCLEAR OPHTHALMOPLEGIA; NIEMANN-PICK DISEASE WITH CHOLESTEROL ESTERIFICATION BLOCK; NIEMANN-PICK DISEASE WITHOUT SPHINGOMYELINASE DEFICIENCY; NIEMANN-PICK DISEASE, CHRONIC NEURONOPATHIC FORM. Identifiers: Orphanet 646, MedGen C3179455, MONDO:0009757, OMIM 257220.

Allele frequency attached by ClinVar (database versions not stated): gnomAD exomes below 0.00001.
gnomAD v4.1: 1 of 1,410,694 alleles (0.000071%); highest among the groups gnomAD compares: Non-Finnish European, 0.000097%; no homozygotes.

Submissions (5):

Myriad Genetics, Inc.
Classification: Uncertain significance for Niemann-Pick disease, type C1. Last evaluated: 2026-01-20. Review status: criteria provided, single submitter. Criteria: Myriad Autosomal Dominant, Autosomal Recessive and X-Linked Classification Criteria (2023). Collection method: clinical testing. Allele origin: unknown.
Comment: NM_000271.4(NPC1):c.1918G>A(G640R) is a missense variant classified as a variant of uncertain significance in the context of Niemann-Pick disease type C1. G640R has been observed in cases with relevant disease (PMID: 35758105, 12955717). Relevant functional assessments of this variant are not available in the literature. G640R has not been observed in referenced population frequency databases. In summary, there is insufficient evidence to classify NM_000271.4(NPC1):c.1918G>A(G640R) as pathogenic or benign. Please note: this variant was assessed in the context of healthy population screening.

Natera, Inc.
Classification: Likely pathogenic for Niemann-Pick disease type C1. Last evaluated: 2025-08-28. Review status: criteria provided, single submitter. Criteria: Natera Variant Classification Schema (03/2026). Collection method: clinical testing. Allele origin: germline.
Comment: The c.1918G>A variant in NPC1 is a missense variant predicted to cause substitution of glycine to arginine at amino acid 640. This variant is rare in the general population with a frequency below the threshold expected for the associated phenotype(s). This variant has been observed in one or more individuals affected with the associated recessive disease, as either homozygous or compound heterozygous with a second variant (PMID: 27581084, 12955717). Computational prediction algorithms indicate this variant is likely to affect gene or protein function. Given the available evidence, this variant is classified as Likely Pathogenic.

Labcorp Genetics (formerly Invitae), Labcorp
Classification: Pathogenic for Niemann-Pick disease, type C1. Last evaluated: 2023-05-19. Review status: criteria provided, single submitter. Criteria: Invitae Variant Classification Sherloc (09022015). Collection method: clinical testing. Allele origin: germline.
Comment: For these reasons, this variant has been classified as Pathogenic. Advanced modeling of protein sequence and biophysical properties (such as structural, functional, and spatial information, amino acid conservation, physicochemical variation, residue mobility, and thermodynamic stability) performed at Invitae indicates that this missense variant is expected to disrupt NPC1 protein function. ClinVar contains an entry for this variant (Variation ID: 842695). This missense change has been observed in individual(s) with Niemann-Pick disease type C (PMID: 12955717, 27581084). This variant is not present in population databases (gnomAD no frequency). This sequence change replaces glycine, which is neutral and non-polar, with arginine, which is basic and polar, at codon 640 of the NPC1 protein (p.Gly640Arg).

Diagnostic Laboratory, Department of Genetics, University Medical Center Groningen
Classification: Pathogenic. Review status: no assertion criteria provided. Collection method: clinical testing. Allele origin: germline. Affected: yes. Study: VKGL Data-share Consensus. Not counted in ClinVar's aggregate classification.

Genome Diagnostics Laboratory, University Medical Center Utrecht
Classification: Likely pathogenic. Review status: no assertion criteria provided. Collection method: clinical testing. Allele origin: germline. Affected: yes. Study: VKGL Data-share Consensus. Not counted in ClinVar's aggregate classification.

Literature cited by the submitters: PubMed 12955717 (cited by 3 submitters); PubMed 35758105 (cited by Myriad Genetics, Inc.); PubMed 27581084 (cited by Natera, Inc. and Labcorp Genetics (formerly Invitae), Labcorp).

NM_000271.5(NPC1):c.1918G>A (p.Gly640Arg)

Gene: NPC1 (NPC intracellular cholesterol transporter 1; minus strand). Cytogenetic location: 18q11.2.
Variant type: single nucleotide variant.
Coding change: c.1918G>A on transcript NM_000271.5 (MANE Select); coding-DNA position 1918, G replaced by A.
Protein change: p.Gly640Arg; replaces glycine 640 with arginine.
Molecular consequence: missense variant.
Genome position (GRCh38, 1-based): chr18:23,544,989, C>T on the plus strand (G>A on the coding strand, the complement: NPC1 is on the minus strand). VCF-style: chr18-23544989-C-T. GRCh37 (hg19) VCF-style: chr18-21124953-C-T.
Other names: short protein forms G640R.
Identifiers: ClinVar variation 842695 (VCV000842695.19), dbSNP rs2058768195, ClinGen allele CA401772198.